The following is an entry in ClinVar:

NM_004260.4(RECQL4):c.85-4A>T

Genes: RECQL4 (RecQ like helicase 4; minus strand), LOC130001411 (ATAC-STARR-seq lymphoblastoid silent region 19699; plus strand). Cytogenetic location: 8q24.3.
Variant type: single nucleotide variant.
Coding change: c.85-4A>T on transcript NM_004260.4 (MANE Select); 4 bases into the intron before coding-DNA position 85, A replaced by T.
Molecular consequence: intron variant.
Genome position (GRCh38, 1-based): chr8:144,517,639, T>A on the plus strand (A>T on the coding strand, the complement: RECQL4 is on the minus strand). VCF-style: chr8-144517639-T-A. GRCh37 (hg19) VCF-style: chr8-145743023-T-A.
Identifiers: ClinVar variation 459520 (VCV000459520.13), dbSNP rs942704068, ClinGen allele CA585833112.

ClinVar aggregate classification (germline): Likely benign. Review status: criteria provided, single submitter (1 of 4 stars). 2 submissions from 2 submitters: Likely benign (1). 1 of the submissions does not count toward it. Last evaluated 2025-12-31.

Conditions:
RECQL4-related disorder. Also called: RECQL4-related condition; RECQL4-related disorders.
Baller-Gerold syndrome (BGS). Also called: CRANIOSYNOSTOSIS WITH RADIAL DEFECTS. Identifiers: Orphanet 1225, MedGen C0265308, MONDO:0009039, OMIM 218600.

Allele frequency attached by ClinVar (database versions not stated): gnomAD 0.00001; TOPMed 0.00002.
gnomAD v4.1: 38 of 1,482,996 alleles (0.0026%); highest among the groups gnomAD compares: Non-Finnish European, 0.0031%; no homozygotes.

Submissions (2):

Labcorp Genetics (formerly Invitae), Labcorp
Classification: Likely benign for Baller-Gerold syndrome. Last evaluated: 2025-12-31. Review status: criteria provided, single submitter. Criteria: Invitae Variant Classification Sherloc (09022015). Collection method: clinical testing. Allele origin: germline.

PreventionGenetics, part of Exact Sciences
Classification: Likely benign for RECQL4-related condition. Last evaluated: 2021-12-09. Review status: no assertion criteria provided. Collection method: clinical testing. Allele origin: germline. Not counted in ClinVar's aggregate classification.
Comment: This variant is classified as likely benign based on ACMG/AMP sequence variant interpretation guidelines (Richards et al. 2015 PMID: 25741868, with internal and published modifications).